The following is an entry in ClinVar:

ClinVar aggregate classification (germline): Pathogenic (1 of 4 stars; one submission).

Conditions:
Alport syndrome 3b, autosomal recessive. Identifiers: MedGen C5882699, MONDO:0957811, OMIM 620536.

Submission:

Centre de Génétique Humaine, Institut de Pathologie Et de Génétique
Classification: Pathogenic for Alport syndrome 3b, autosomal recessive. Last evaluated: 2026-03-27. Review status: criteria provided, single submitter. Criteria: ACMG Guidelines, 2015. Collection method: clinical testing. Allele origin: germline. Inheritance: Autosomal recessive inheritance. Affected: yes. Observed: 1 variant allele, 1 homozygote. Segregation with disease not observed.
Comment: This 5 bp insertion is a frameshift variant predicted to result in protein truncation or nonsense mediated decay in a gene for which loss-of-function is a known mechanism of disease (PVS1). This variant is rare: absent in gnomAD v4.1.0 database (PM2).

NM_000091.5(COL4A3):c.3533_3534insCCCCC (p.Gly1180fs)

Genes: COL4A3 (collagen type IV alpha 3 chain; plus strand), MFF-DT (MFF divergent transcript; minus strand). Cytogenetic location: 2q36.3.
Variant type: Insertion.
Coding change: c.3533_3534insCCCCC on transcript NM_000091.5 (MANE Select); coding-DNA positions 3533 to 3534, CCCCC inserted.
Protein change: p.Gly1180fs; shifts the reading frame from glycine 1180.
Molecular consequence: frameshift variant.
Genome position: GRCh38 VCF-style: chr2-227295280-G-GCCCCC. GRCh37 (hg19) VCF-style: chr2-228159996-G-GCCCCC.
Other names: p.(Gly1180Leufs*43); short protein forms G1180fs.
Identifiers: ClinVar variation 4853859 (VCV004853859.1).